The following is an entry in ClinVar:

NM_001846.4(COL4A2):c.4698G>A (p.Trp1566Ter)

Genes: COL4A2 (collagen type IV alpha 2 chain; plus strand), COL4A2-AS1 (COL4A2 antisense RNA 1; minus strand). Cytogenetic location: 13q34.
Variant type: single nucleotide variant.
Coding change: c.4698G>A on transcript NM_001846.4 (MANE Select); coding-DNA position 4698, G replaced by A.
Protein change: p.Trp1566Ter; replaces tryptophan 1566 with a stop codon.
Molecular consequence: nonsense.
Genome position (GRCh38, 1-based): chr13:110,508,038, G>A. VCF-style: chr13-110508038-G-A. GRCh37 (hg19) VCF-style: chr13-111160385-G-A.
Other names: short protein forms W1566*.
Identifiers: ClinVar variation 2098040 (VCV002098040.4), dbSNP rs2502217439, ClinGen allele CA388741425.
Genomic context (GRCh38, chr13:110,508,038, plus strand): 5'-CCTGTACTGCAACCCTGGTGATGTCTGCTACTATGCCAGCCGGAACGACAAGTCCTACTG[G>A]CTCTCTACCACTGCGCCGCTGCCCATGATGCCCGTGGCCGAGGACGAGATCAAGCCCTAC-3'

ClinVar aggregate classification (germline): Pathogenic (1 of 4 stars; one submission).

Submission:

Labcorp Genetics (formerly Invitae), Labcorp
Classification: Pathogenic. Last evaluated: 2022-11-01. Review status: criteria provided, single submitter. Criteria: Invitae Variant Classification Sherloc (09022015). Collection method: clinical testing. Allele origin: germline.
Comment: This variant is not present in population databases (gnomAD no frequency). This variant has not been reported in the literature in individuals affected with COL4A2-related conditions. For these reasons, this variant has been classified as Pathogenic. This sequence change creates a premature translational stop signal (p.Trp1566*) in the COL4A2 gene. It is expected to result in an absent or disrupted protein product. Loss-of-function variants in COL4A2 are known to be pathogenic (PMID: 22333902, 30315939).

Literature cited by the submitters: PubMed 22333902; PubMed 30315939.